The following is an entry in ClinVar:

NM_001110556.2(FLNA):c.7031G>A (p.Gly2344Glu)

Gene: FLNA (filamin A; minus strand). Cytogenetic location: Xq28.
Variant type: single nucleotide variant.
Coding change: c.7031G>A on transcript NM_001110556.2 (MANE Select); coding-DNA position 7031, G replaced by A.
Protein change: p.Gly2344Glu; replaces glycine 2344 with glutamic acid.
Molecular consequence: missense variant.
Genome position (GRCh38, 1-based): chrX:154,351,034, C>T on the plus strand (G>A on the coding strand, the complement: FLNA is on the minus strand). VCF-style: chrX-154351034-C-T. GRCh37 (hg19) VCF-style: chrX-153579402-C-T.
Other names: c.7007G>A, p.Gly2336Glu (NM_001456.4); short protein forms G2336E, G2344E.
Identifiers: ClinVar variation 1305636 (VCV001305636.2), dbSNP rs2067614786, ClinGen allele CA415185322.

ClinVar aggregate classification (germline): Uncertain significance (1 of 4 stars; one submission).

Allele frequency attached by ClinVar (database versions not stated): TOPMed below 0.00001.

Submission:

GeneDx
Classification: Uncertain significance. Last evaluated: 2019-05-09. Review status: criteria provided, single submitter. Criteria: GeneDx Variant Classification Process June 2021. Collection method: clinical testing. Allele origin: germline. Affected: yes.
Comment: Not observed in large population cohorts (Lek et al., 2016); In silico analysis, which includes protein predictors and evolutionary conservation, supports a deleterious effect; Has not been previously published as pathogenic or benign to our knowledge